The following is an entry in ClinVar:

NM_016341.4(PLCE1):c.3166G>T (p.Ala1056Ser)

Gene: PLCE1 (phospholipase C epsilon 1; plus strand). Cytogenetic location: 10q23.33.
Variant type: single nucleotide variant.
Coding change: c.3166G>T on transcript NM_016341.4 (MANE Select); coding-DNA position 3166, G replaced by T.
Protein change: p.Ala1056Ser; replaces alanine 1056 with serine.
Molecular consequence: missense variant.
Genome position (GRCh38, 1-based): chr10:94,252,385, G>T. VCF-style: chr10-94252385-G-T. GRCh37 (hg19) VCF-style: chr10-96012142-G-T.
Other names: c.2242G>T, p.Ala748Ser (NM_001165979.2); c.3166G>T, p.Ala1056Ser (NM_001288989.2); short protein forms A1056S, A748S.
Identifiers: ClinVar variation 1946223 (VCV001946223.2), dbSNP rs2496082546, ClinGen allele CA377642437.

ClinVar aggregate classification (germline): Uncertain significance (1 of 4 stars; one submission).

Allele frequency attached by ClinVar (database versions not stated): gnomAD exomes below 0.00001.
gnomAD v4.1: 1 of 1,614,070 alleles (0.000062%); highest among the groups gnomAD compares: Non-Finnish European, 0.000085%; no homozygotes.

Submission:

Labcorp Genetics (formerly Invitae), Labcorp
Classification: Uncertain significance. Last evaluated: 2022-08-21. Review status: criteria provided, single submitter. Criteria: Invitae Variant Classification Sherloc (09022015). Collection method: clinical testing. Allele origin: germline.
Comment: This sequence change replaces alanine, which is neutral and non-polar, with serine, which is neutral and polar, at codon 1056 of the PLCE1 protein (p.Ala1056Ser). This variant is not present in population databases (gnomAD no frequency). This variant has not been reported in the literature in individuals affected with PLCE1-related conditions. Algorithms developed to predict the effect of missense changes on protein structure and function (SIFT, PolyPhen-2, Align-GVGD) all suggest that this variant is likely to be tolerated. In summary, the available evidence is currently insufficient to determine the role of this variant in disease. Therefore, it has been classified as a Variant of Uncertain Significance.